The following is an entry in ClinVar:

ClinVar aggregate classification (germline): Uncertain significance. Review status: criteria provided, multiple submitters, no conflicts (2 of 4 stars). 3 submissions from 3 submitters: Uncertain significance (3). Last evaluated 2024-11-11.

Conditions:
Arterial calcification, generalized, of infancy, 2. Identifiers: Orphanet 51608, MedGen C3276161, MONDO:0013768, OMIM 614473.
Autosomal recessive inherited pseudoxanthoma elasticum (PXE). Identifiers: Orphanet 758, MedGen CN032334, MONDO:0009925, OMIM 264800.
Pseudoxanthoma elasticum, forme fruste. Also called: Pseudoxanthoma Elasticum, Incomplete; PSEUDOXANTHOMA ELASTICUM, HETEROZYGOUS. Identifiers: Orphanet 758, MedGen C1867450, MONDO:0008333, OMIM 177850.

Allele frequency attached by ClinVar (database versions not stated): gnomAD exomes 0.00002 and 0.00003; TOPMed 0.00006; ESP Exome Variant Server 0.00008.
gnomAD v4.1: 59 of 1,613,952 alleles (0.0037%); highest among the groups gnomAD compares: Admixed American, 0.023%; no homozygotes.

Submissions (3):

Labcorp Genetics (formerly Invitae), Labcorp
Classification: Uncertain significance. Last evaluated: 2024-11-11. Review status: criteria provided, single submitter. Criteria: Invitae Variant Classification Sherloc (09022015). Collection method: clinical testing. Allele origin: germline.
Comment: This sequence change replaces valine, which is neutral and non-polar, with methionine, which is neutral and non-polar, at codon 1285 of the ABCC6 protein (p.Val1285Met). This variant is present in population databases (rs141731889, gnomAD 0.006%). This variant has not been reported in the literature in individuals affected with ABCC6-related conditions. ClinVar contains an entry for this variant (Variation ID: 1524478). An algorithm developed to predict the effect of missense changes on protein structure and function outputs the following: PolyPhen-2: "Benign". The methionine amino acid residue is found in multiple mammalian species, which suggests that this missense change does not adversely affect protein function. In summary, the available evidence is currently insufficient to determine the role of this variant in disease. Therefore, it has been classified as a Variant of Uncertain Significance.

Fulgent Genetics
Classification: Uncertain significance for Pseudoxanthoma elasticum, forme fruste; Autosomal recessive inherited pseudoxanthoma elasticum; Arterial calcification, generalized, of infancy, 2. Last evaluated: 2024-06-06. Review status: criteria provided, single submitter. Criteria: ACMG Guidelines, 2015. Collection method: clinical testing. Allele origin: germline.

Juno Genomics, Hangzhou Juno Genomics, Inc
Classification: Uncertain significance for Autosomal recessive inherited pseudoxanthoma elasticum. Review status: criteria provided, single submitter. Criteria: ACMG Guidelines, 2015. Collection method: clinical testing. Allele origin: germline.
Comment: Absent from controls (or at extremely low frequency if recessive) in Genome Aggregation Database.;For recessive disorders, detected in trans with a pathogenic variant.;Patient's phenotype or family history is highly specific for a disease with a single genetic etiology.;Co-segregation with disease in multiple affected family members.

NM_001171.6(ABCC6):c.3853G>A (p.Val1285Met)

Gene: ABCC6 (ATP binding cassette subfamily C member 6; minus strand). Cytogenetic location: 16p13.11.
Variant type: single nucleotide variant.
Coding change: c.3853G>A on transcript NM_001171.6 (MANE Select); coding-DNA position 3853, G replaced by A.
Protein change: p.Val1285Met; replaces valine 1285 with methionine.
Molecular consequence: missense variant. On other transcripts: non-coding transcript variant (1).
Genome position (GRCh38, 1-based): chr16:16,157,692, C>T on the plus strand (G>A on the coding strand, the complement: ABCC6 is on the minus strand). VCF-style: chr16-16157692-C-T. GRCh37 (hg19) VCF-style: chr16-16251549-C-T.
Other names: c.3511G>A, p.Val1171Met (NM_001351800.1); short protein forms V1171M, V1285M.
Identifiers: ClinVar variation 1524478 (VCV001524478.8), dbSNP rs141731889, ClinGen allele CA278627510.